The following is an entry in ClinVar:

NM_001283009.2(RTEL1):c.1548C>T (p.Val516=)

Genes: RTEL1 (regulator of telomere elongation helicase 1; plus strand), RTEL1-TNFRSF6B (RTEL1-TNFRSF6B readthrough (NMD candidate); plus strand). Cytogenetic location: 20q13.33.
Variant type: single nucleotide variant.
Coding change: c.1548C>T on transcript NM_001283009.2 (MANE Select); coding-DNA position 1548, C replaced by T.
Protein change: p.Val516=; no amino-acid change (valine 516 retained).
Molecular consequence: synonymous variant. On other transcripts: non-coding transcript variant (1).
Genome position (GRCh38, 1-based): chr20:63,688,003, C>T. VCF-style: chr20-63688003-C-T. GRCh37 (hg19) VCF-style: chr20-62319356-C-T.
Other names: p.Val540=; c.879C>T, p.Val293= (NM_001283010.1); c.1548C>T, p.Val516= (NM_016434.4); c.1620C>T, p.Val540= (NM_032957.5).
Identifiers: ClinVar variation 540948 (VCV000540948.31), dbSNP rs116057134, ClinGen allele CA9964837.

ClinVar aggregate classification (germline): Benign/Likely benign. Review status: criteria provided, multiple submitters, no conflicts (2 of 4 stars). 7 submissions from 7 submitters: Benign (1); Likely benign (4). 2 of the submissions do not count toward it. Last evaluated 2026-01-31.

Conditions:
Inborn genetic diseases. Identifiers: MedGen C0950123, MeSH D030342.
Pulmonary fibrosis and/or bone marrow failure, Telomere-related, 3. Also called: PULMONARY FIBROSIS AND/OR BONE MARROW FAILURE SYNDROME, TELOMERE-RELATED, 3. Identifiers: Orphanet 2032, MedGen C4225346, MONDO:0014613, OMIM 616373.
Dyskeratosis congenita, autosomal recessive 5 (DKCB5). Identifiers: MedGen C3554656, MONDO:0014076, OMIM 615190.

Allele frequency attached by ClinVar (database versions not stated): ESP Exome Variant Server 0.00462; gnomAD 0.00406 and 0.00441; 1000 Genomes Project 30x 0.00437; TOPMed 0.00438; 1000 Genomes Project 0.00459.
gnomAD v4.1: 1,142 of 1,612,822 alleles (0.071%); highest among the groups gnomAD compares: African/African-American, 1.4%; 6 homozygotes.

Submissions (7):

Labcorp Genetics (formerly Invitae), Labcorp
Classification: Benign for Dyskeratosis congenita, autosomal recessive 5; Pulmonary fibrosis and/or bone marrow failure, Telomere-related, 3. Last evaluated: 2026-01-31. Review status: criteria provided, single submitter. Criteria: Invitae Variant Classification Sherloc (09022015). Collection method: clinical testing. Allele origin: germline.

CeGaT Center for Human Genetics Tuebingen
Classification: Likely benign. Last evaluated: 2025-11-01. Review status: criteria provided, single submitter. Criteria: CeGaT Center For Human Genetics Tuebingen Variant Classification Criteria Version 2. Collection method: clinical testing. Allele origin: germline. Affected: yes. Observed: 2 variant alleles.
Comment: RTEL1: BP4, BP7, BS1

Mayo Clinic Laboratories, Mayo Clinic
Classification: Likely benign. Last evaluated: 2025-01-20. Review status: criteria provided, single submitter. Criteria: ACMG Guidelines, 2015. Collection method: clinical testing. Allele origin: germline. Observed: 4 variant alleles.
Comment: BS1, BP4, BP7

Blueprint Genetics
Classification: Likely benign. Last evaluated: 2024-10-07. Review status: criteria provided, single submitter. Criteria: ACMG Guidelines, 2015. Collection method: clinical testing. Allele origin: germline.

Ambry Genetics
Classification: Likely benign for Inborn genetic diseases. Last evaluated: 2022-03-03. Review status: criteria provided, single submitter. Criteria: Ambry Variant Classification Scheme 2023. Collection method: clinical testing. Allele origin: germline.

Clinical Genetics DNA and cytogenetics Diagnostics Lab, Erasmus MC, Erasmus Medical Center
Classification: Benign. Review status: no assertion criteria provided. Collection method: clinical testing. Allele origin: germline. Affected: yes. Study: VKGL Data-share Consensus. Not counted in ClinVar's aggregate classification.

Genome Diagnostics Laboratory, University Medical Center Utrecht
Classification: Likely benign. Review status: no assertion criteria provided. Collection method: clinical testing. Allele origin: germline. Affected: yes. Study: VKGL Data-share Consensus. Not counted in ClinVar's aggregate classification.